The following is an entry in ClinVar:

NM_024334.3(TMEM43):c.83G>C (p.Arg28Pro)

Gene: TMEM43 (transmembrane protein 43; plus strand). Cytogenetic location: 3p25.1.
Variant type: single nucleotide variant.
Coding change: c.83G>C on transcript NM_024334.3 (MANE Select); coding-DNA position 83, G replaced by C.
Protein change: p.Arg28Pro; replaces arginine 28 with proline.
Molecular consequence: missense variant.
Genome position (GRCh38, 1-based): chr3:14,129,482, G>C. VCF-style: chr3-14129482-G-C. GRCh37 (hg19) VCF-style: chr3-14170982-G-C.
Other names: short protein forms R28P.
Identifiers: ClinVar variation 1370220 (VCV001370220.8), dbSNP rs757651177, ClinGen allele CA351534299.

ClinVar aggregate classification (germline): Uncertain significance (1 of 4 stars; one submission).

Conditions:
Arrhythmogenic right ventricular dysplasia 5. Also called: Arrhythmogenic Right Ventricular Dysplasia/Cardiomyopathy 5; ARRHYTHMOGENIC RIGHT VENTRICULAR DYSPLASIA, FAMILIAL, 5. Identifiers: MedGen C1858379, MONDO:0011459, OMIM 604400.

Submission:

Labcorp Genetics (formerly Invitae), Labcorp
Classification: Uncertain significance for Arrhythmogenic right ventricular dysplasia 5. Last evaluated: 2021-04-23. Review status: criteria provided, single submitter. Criteria: Invitae Variant Classification Sherloc (09022015). Collection method: clinical testing. Allele origin: germline.
Comment: This sequence change replaces arginine with proline at codon 28 of the TMEM43 protein (p.Arg28Pro). The arginine residue is moderately conserved and there is a moderate physicochemical difference between arginine and proline. This variant is not present in population databases (ExAC no frequency). This variant has not been reported in the literature in individuals with TMEM43-related conditions. Algorithms developed to predict the effect of missense changes on protein structure and function are either unavailable or do not agree on the potential impact of this missense change (SIFT: "Deleterious"; PolyPhen-2: "Probably Damaging"; Align-GVGD: "Class C0"). In summary, the available evidence is currently insufficient to determine the role of this variant in disease. Therefore, it has been classified as a Variant of Uncertain Significance.